The following is an entry in ClinVar:

NM_173660.5(DOK7):c.564G>C (p.Glu188Asp)

Genes: DOK7 (docking protein 7; plus strand), LOC126806951 (CDK7 strongly-dependent group 2 enhancer GRCh37_chr4:3486115-3487314; plus strand). Cytogenetic location: 4p16.3.
Variant type: single nucleotide variant.
Coding change: c.564G>C on transcript NM_173660.5 (MANE Select); coding-DNA position 564, G replaced by C.
Protein change: p.Glu188Asp; replaces glutamic acid 188 with aspartic acid.
Molecular consequence: missense variant. On other transcripts: 5 prime UTR variant (1).
Genome position (GRCh38, 1-based): chr4:3,485,570, G>C. VCF-style: chr4-3485570-G-C. GRCh37 (hg19) VCF-style: chr4-3487297-G-C.
Other names: c.564G>C (NM_173660.4); c.553G>C, p.Gly185Arg (NM_001164673.2); c.-367G>C (NM_001256896.2); c.564G>C, p.Glu188Asp (NM_001301071.2); c.132G>C, p.Glu44Asp (NM_001363811.2); short protein forms E188D, G185R, E44D.
Identifiers: ClinVar variation 1036136 (VCV001036136.10), dbSNP rs375631042, ClinGen allele CA2829061.

ClinVar aggregate classification (germline): Uncertain significance. Review status: criteria provided, multiple submitters, no conflicts (2 of 4 stars). 3 submissions from 3 submitters: Uncertain significance (3). Last evaluated 2025-08-27.

Conditions:
Fetal akinesia deformation sequence 1 (FADS1). Also called: Pena-Shokeir syndrome type I; Fetal akinesia sequence. Identifiers: Orphanet 994, MedGen C1276035, MONDO:0100101, OMIM 208150, HP:0001989.
Congenital myasthenic syndrome 10. Also called: Myasthenia, limb-girdle, familial. Identifiers: Orphanet 590, MedGen C1850792, MONDO:0009690, OMIM 254300.

Allele frequency attached by ClinVar (database versions not stated): TOPMed 0.00004.
gnomAD v4.1: 34 of 1,607,044 alleles (0.0021%); highest among the groups gnomAD compares: South Asian, 0.018%; no homozygotes.

Submissions (3):

GeneDx
Classification: Uncertain significance. Last evaluated: 2025-08-27. Review status: criteria provided, single submitter. Criteria: GeneDx Variant Classification Process June 2021. Collection method: clinical testing. Allele origin: germline.
Comment: Not observed at significant frequency in large population cohorts (gnomAD); In silico analysis suggests that this missense variant does not alter protein structure/function; Has not been previously published as pathogenic or benign to our knowledge; This variant is associated with the following publications: (PMID: 20012313, 20603078, 26198629)

Labcorp Genetics (formerly Invitae), Labcorp
Classification: Uncertain significance for Congenital myasthenic syndrome 10; Fetal akinesia deformation sequence 1. Last evaluated: 2022-10-03. Review status: criteria provided, single submitter. Criteria: Invitae Variant Classification Sherloc (09022015). Collection method: clinical testing. Allele origin: germline.
Comment: This sequence change replaces glutamic acid, which is acidic and polar, with aspartic acid, which is acidic and polar, at codon 188 of the DOK7 protein (p.Glu188Asp). This variant is present in population databases (rs375631042, gnomAD 0.01%). This variant has not been reported in the literature in individuals affected with DOK7-related conditions. ClinVar contains an entry for this variant (Variation ID: 1036136). Algorithms developed to predict the effect of missense changes on protein structure and function (SIFT, PolyPhen-2, Align-GVGD) all suggest that this variant is likely to be tolerated. In summary, the available evidence is currently insufficient to determine the role of this variant in disease. Therefore, it has been classified as a Variant of Uncertain Significance.

Revvity Omics, Revvity
Classification: Uncertain significance. Last evaluated: 2020-03-16. Review status: criteria provided, single submitter. Criteria: ACMG Guidelines, 2015. Collection method: clinical testing. Allele origin: germline.